The following is an entry in ClinVar:

ClinVar aggregate classification (germline): Uncertain significance (1 of 4 stars; one submission).

Conditions:
Epidermolysis bullosa simplex with nail dystrophy (EBS5D). Identifiers: MedGen C4225309, MONDO:0014661, OMIM 616487.
Epidermolysis bullosa simplex, Ogna type (EBS5A). Also called: EPIDERMOLYSIS BULLOSA SIMPLEX 5A, OGNA TYPE; Pidermolysis bullosa simplex 5A, Ogna type. Identifiers: Orphanet 79401, MedGen C0432317, MONDO:0007555, OMIM 131950.
Autosomal recessive limb-girdle muscular dystrophy type 2Q (LGMDR17). Also called: MUSCULAR DYSTROPHY, LIMB-GIRDLE, AUTOSOMAL RECESSIVE 17. Identifiers: Orphanet 254361, MedGen C3150989, MONDO:0013390, OMIM 613723.
Epidermolysis bullosa simplex 5B, with muscular dystrophy (EBS5B). Also called: EPIDERMOLYSIS BULLOSA SIMPLEX AND LIMB-GIRDLE MUSCULAR DYSTROPHY; Epidermolysis bullosa simplex with muscular dystrophy. Identifiers: Orphanet 257, MedGen C2931072, MONDO:0009181, OMIM 226670.
Epidermolysis bullosa simplex 5C, with pyloric atresia (EBS5C). Also called: PLEC-Related Epidermolysis Bullosa with Pyloric Atresia; Epidermolysis bullosa simplex with pyloric atresia; PLEC1-Related Epidermolysis Bullosa with Pyloric Atresia. Identifiers: Orphanet 158684, MedGen C2677349, MONDO:0012807, OMIM 612138.

gnomAD v4.1: 9 of 1,599,436 alleles (0.00056%); highest among the groups gnomAD compares: Non-Finnish European, 0.00076%; no homozygotes.

Submission:

Labcorp Genetics (formerly Invitae), Labcorp
Classification: Uncertain significance for Autosomal recessive limb-girdle muscular dystrophy type 2Q; Epidermolysis bullosa simplex, Ogna type; Epidermolysis bullosa simplex with nail dystrophy; Epidermolysis bullosa simplex 5C, with pyloric atresia; Epidermolysis bullosa simplex 5B, with muscular dystrophy. Last evaluated: 2025-08-16. Review status: criteria provided, single submitter. Criteria: Invitae Variant Classification Sherloc (09022015). Collection method: clinical testing. Allele origin: germline.
Comment: This sequence change replaces glutamic acid, which is acidic and polar, with lysine, which is basic and polar, at codon 3923 of the PLEC protein (p.Glu3923Lys). This variant is present in population databases (no rsID available, gnomAD 0.0009%). This variant has not been reported in the literature in individuals affected with PLEC-related conditions. Invitae Evidence Modeling of protein sequence and biophysical properties (such as structural, functional, and spatial information, amino acid conservation, physicochemical variation, residue mobility, and thermodynamic stability) indicates that this missense variant is not expected to disrupt PLEC protein function with a negative predictive value of 80%. In summary, the available evidence is currently insufficient to determine the role of this variant in disease. Therefore, it has been classified as a Variant of Uncertain Significance.

NM_201384.3(PLEC):c.11686G>A (p.Glu3896Lys)

Gene: PLEC (plectin; minus strand). Cytogenetic location: 8q24.3.
Variant type: single nucleotide variant.
Coding change: c.11686G>A on transcript NM_201384.3 (MANE Select); coding-DNA position 11686, G replaced by A.
Protein change: p.Glu3896Lys; replaces glutamic acid 3896 with lysine.
Molecular consequence: missense variant.
Genome position (GRCh38, 1-based): chr8:143,918,135, C>T on the plus strand (G>A on the coding strand, the complement: PLEC is on the minus strand). VCF-style: chr8-143918135-C-T. GRCh37 (hg19) VCF-style: chr8-144992303-C-T.
Other names: c.11767G>A, p.Glu3923Lys (NM_000445.5); c.8386G>A, p.Glu2796Lys (NM_001410941.1); c.11644G>A, p.Glu3882Lys (NM_201378.4); c.11620G>A, p.Glu3874Lys (NM_201379.3); c.12097G>A, p.Glu4033Lys (NM_201380.4); c.11590G>A, p.Glu3864Lys (NM_201381.3); c.11686G>A, p.Glu3896Lys (NM_201382.4); c.11698G>A, p.Glu3900Lys (NM_201383.3); short protein forms E3923K, E3882K, E4033K, E2796K, E3864K, E3896K, E3874K, E3900K.
Identifiers: ClinVar variation 4787749 (VCV004787749.1).